The following is an entry in ClinVar:

ClinVar aggregate classification (germline): Uncertain significance (1 of 4 stars; one submission).

Allele frequency attached by ClinVar (database versions not stated): gnomAD exomes below 0.00001; gnomAD 0.00001.
gnomAD v4.1: 6 of 1,614,062 alleles (0.00037%); highest among the groups gnomAD compares: Non-Finnish European, 0.00051%; no homozygotes.

Submission:

Labcorp Genetics (formerly Invitae), Labcorp
Classification: Uncertain significance. Last evaluated: 2022-07-27. Review status: criteria provided, single submitter. Criteria: Invitae Variant Classification Sherloc (09022015). Collection method: clinical testing. Allele origin: germline.
Comment: This sequence change replaces phenylalanine, which is neutral and non-polar, with serine, which is neutral and polar, at codon 295 of the UNC80 protein (p.Phe295Ser). This variant is present in population databases (no rsID available, gnomAD 0.0009%). This variant has not been reported in the literature in individuals affected with UNC80-related conditions. Algorithms developed to predict the effect of missense changes on protein structure and function are either unavailable or do not agree on the potential impact of this missense change (SIFT: "Not Available"; PolyPhen-2: "Benign"; Align-GVGD: "Not Available"). In summary, the available evidence is currently insufficient to determine the role of this variant in disease. Therefore, it has been classified as a Variant of Uncertain Significance.

NM_001371986.1(UNC80):c.884T>C (p.Phe295Ser)

Gene: UNC80 (unc-80 homolog, NALCN channel complex subunit; plus strand). Cytogenetic location: 2q34.
Variant type: single nucleotide variant.
Coding change: c.884T>C on transcript NM_001371986.1 (MANE Select); coding-DNA position 884, T replaced by C.
Protein change: p.Phe295Ser; replaces phenylalanine 295 with serine.
Molecular consequence: missense variant.
Genome position (GRCh38, 1-based): chr2:209,793,805, T>C. VCF-style: chr2-209793805-T-C. GRCh37 (hg19) VCF-style: chr2-210658529-T-C.
Other names: c.884T>C, p.Phe295Ser (NM_032504.2, NM_182587.4); short protein forms F295S.
Identifiers: ClinVar variation 2064512 (VCV002064512.1), dbSNP rs1405801109, ClinGen allele CA350132538.